The following is an entry in ClinVar:

ClinVar aggregate classification (germline): Benign. Review status: criteria provided, multiple submitters, no conflicts (2 of 4 stars). 2 submissions from 2 submitters: Benign (2). Last evaluated 2018-06-19.

Allele frequency attached by ClinVar (database versions not stated): 1000 Genomes Project 30x 0.07199; ESP Exome Variant Server 0.09986; gnomAD 0.10172; 1000 Genomes Project 0.07009; TOPMed 0.09657; ExAC 0.11545.
gnomAD v4.1: 188,517 of 1,572,126 alleles (12%); highest among the groups gnomAD compares: Non-Finnish European, 13%; 11,913 homozygotes.

Submissions (2):

GeneDx
Classification: Benign. Last evaluated: 2018-06-19. Review status: criteria provided, single submitter. Criteria: GeneDx Variant Classification (06012015). Collection method: clinical testing. Allele origin: germline. Affected: yes.
Comment: This variant is considered likely benign or benign based on one or more of the following criteria: it is a conservative change, it occurs at a poorly conserved position in the protein, it is predicted to be benign by multiple in silico algorithms, and/or has population frequency not consistent with disease.

Breakthrough Genomics
Classification: Benign. Review status: criteria provided, single submitter. Criteria: ACMG Guidelines, 2015. Collection method: not provided. Allele origin: germline. Inheritance: Autosomal recessive inheritance. Affected: yes.

NM_001843.4(CNTN1):c.2113+35A>G

Gene: CNTN1 (contactin 1; plus strand). Cytogenetic location: 12q12.
Variant type: single nucleotide variant.
Coding change: c.2113+35A>G on transcript NM_001843.4 (MANE Select); 35 bases into the intron after coding-DNA position 2113, A replaced by G.
Molecular consequence: intron variant.
Genome position (GRCh38, 1-based): chr12:40,993,304, A>G. VCF-style: chr12-40993304-A-G. GRCh37 (hg19) VCF-style: chr12-41387106-A-G.
Other names: c.2080+35A>G (NM_175038.2).
Identifiers: ClinVar variation 679163 (VCV000679163.2), dbSNP rs7309797, ClinGen allele CA6517051.